The following is an entry in ClinVar:

NM_000268.4(NF2):c.524A>G (p.Asn175Ser)

Gene: NF2 (NF2, moesin-ezrin-radixin like (MERLIN) tumor suppressor; plus strand). Cytogenetic location: 22q12.2.
Variant type: single nucleotide variant.
Coding change: c.524A>G on transcript NM_000268.4 (MANE Select); coding-DNA position 524, A replaced by G.
Protein change: p.Asn175Ser; replaces asparagine 175 with serine.
Molecular consequence: missense variant. On other transcripts: non-coding transcript variant (1), intron variant (1).
Genome position (GRCh38, 1-based): chr22:29,655,601, A>G. VCF-style: chr22-29655601-A-G. GRCh37 (hg19) VCF-style: chr22-30051590-A-G.
Other names: c.401A>G, p.Asn134Ser (NM_181829.3); c.275A>G, p.Asn92Ser (NM_181830.3, NM_181831.3); c.524A>G, p.Asn175Ser (NM_181832.3, NM_016418.5, NM_181825.3); c.447+13316A>G (NM_181833.3); c.398A>G, p.Asn133Ser (NM_181828.3); short protein forms N133S, N134S, N175S, N92S.
Identifiers: ClinVar variation 1012002 (VCV001012002.13), dbSNP rs2066278699, ClinGen allele CA411142288.

ClinVar aggregate classification (germline): Uncertain significance (1 of 4 stars; one submission).

Conditions:
Neurofibromatosis, type 2 (SWNV). Also called: BILATERAL ACOUSTIC NEUROFIBROMATOSIS; SCHWANNOMATOSIS, VESTIBULAR; NF2-Related Schwannomatosis. Identifiers: Orphanet 637, MedGen C0027832, MONDO:0007039, OMIM 101000. Disease mechanism: loss of function.

Submission:

Labcorp Genetics (formerly Invitae), Labcorp
Classification: Uncertain significance for Neurofibromatosis, type 2. Last evaluated: 2020-01-31. Review status: criteria provided, single submitter. Criteria: Invitae Variant Classification Sherloc (09022015). Collection method: clinical testing. Allele origin: germline.
Comment: In summary, the available evidence is currently insufficient to determine the role of this variant in disease. Therefore, it has been classified as a Variant of Uncertain Significance. Algorithms developed to predict the effect of missense changes on protein structure and function (SIFT, PolyPhen-2, Align-GVGD) all suggest that this variant is likely to be tolerated, but these predictions have not been confirmed by published functional studies and their clinical significance is uncertain. This variant has not been reported in the literature in individuals with NF2-related conditions. This variant is not present in population databases (ExAC no frequency). This sequence change replaces asparagine with serine at codon 175 of the NF2 protein (p.Asn175Ser). The asparagine residue is moderately conserved and there is a small physicochemical difference between asparagine and serine.